The following is an entry in ClinVar:

NM_021100.5(NFS1):c.-9A>T

Gene: NFS1 (NFS1 cysteine desulfurase; minus strand). Cytogenetic location: 20q11.22.
Variant type: single nucleotide variant.
Coding change: c.-9A>T on transcript NM_021100.5 (MANE Select); 9 bases upstream of the start codon, A replaced by T.
Molecular consequence: 5 prime UTR variant. On other transcripts: non-coding transcript variant (1).
Genome position (GRCh38, 1-based): chr20:35,699,297, T>A on the plus strand (A>T on the coding strand, the complement: NFS1 is on the minus strand). VCF-style: chr20-35699297-T-A. GRCh37 (hg19) VCF-style: chr20-34287219-T-A.
Other names: c.-9A>T (NM_001198989.2).
Identifiers: ClinVar variation 3046508 (VCV003046508.2), dbSNP rs1006820376, ClinGen allele CA314154254.
Genomic context (GRCh38, chr20:35,699,297, plus strand): 5'-GAGCCGCTGTCACCGCCACTGCCGCCCGCCTCCAAGCGGCTCGGAGCAGCATGGTCCCGC[T>A]GGCAGAGCCCACCTTCCGAAGCCGCTGCAGTCCTGGGCCCCAGGCTCCCGGAAGTGCTGC-3'

ClinVar aggregate classification (germline): Likely benign (0 of 4 stars; one submission).

Conditions:
NFS1-related disorder. Also called: NFS1-related condition.

Allele frequency attached by ClinVar (database versions not stated): TOPMed 0.00017; gnomAD 0.00048.

Submission:

PreventionGenetics, part of Exact Sciences
Classification: Likely benign for NFS1-related condition. Last evaluated: 2019-03-06. Review status: no assertion criteria provided. Collection method: clinical testing. Allele origin: germline.
Comment: This variant is classified as likely benign based on ACMG/AMP sequence variant interpretation guidelines (Richards et al. 2015 PMID: 25741868, with internal and published modifications).